The following is an entry in ClinVar:

NR_001566.3(TERC):n.180C>G

Genes: TERC (telomerase RNA component; minus strand), LOC110806306 (telomerase RNA component (TERC) promoter; plus strand). Cytogenetic location: 3q26.2.
Variant type: single nucleotide variant.
Genome position: GRCh38 VCF-style: chr3-169764881-G-C. GRCh37 (hg19) VCF-style: chr3-169482669-G-C.
Identifiers: ClinVar variation 1338341 (VCV001338341.5), dbSNP rs199422276, ClinGen allele CA436715509.

ClinVar aggregate classification (germline): Conflicting classifications of pathogenicity. Review status: criteria provided, conflicting classifications (1 of 4 stars). 2 submissions from 2 submitters: Likely pathogenic (1); Uncertain significance (1). Last evaluated 2025-06-26.

Conditions:
Dyskeratosis congenita, autosomal dominant 1 (DKCA1). Also called: Dyskeratosis congenita Scoggins type. Identifiers: Orphanet 1775, MedGen C4551974, MONDO:0007485, OMIM 127550. Inheritance: Variable.

Submissions (2):

Broad Center for Mendelian Genomics, Broad Institute of MIT and Harvard
Classification: Uncertain significance for Dyskeratosis congenita, autosomal dominant 1. Last evaluated: 2025-06-26. Review status: criteria provided, single submitter. Criteria: ACMG Guidelines, 2015. Collection method: curation. Allele origin: germline. Inheritance: Autosomal dominant inheritance. Study: GREGoR Consortium.
Comment: The n.180C>T variant in TERC has not been previously reported in the literature in individuals with dyskeratosis congenita and was absent from large population studies. The TERC gene encodes a telomerase RNA component. This variant has also been reported in ClinVar (Variation ID: 1338341) and has been interpreted as likely pathogenic by Genetic Services Laboratory (University of Chicago). Computational prediction tools and conservation analyses suggest that this variant may impact the protein, though this information is not predictive enough to determine pathogenicity. This variant lies in a highly constrained region of the gene that is near the pseudoknot domain (PMID: 17640862). One additional pathogenic variant, resulting in a different nucleotide change at the same position (n.180C>T), has been reported in association with disease in the literature, supporting that this variant may be pathogenic (PMID: 17640862; Variation ID: 39284). In summary, while there is some suspicion for a pathogenic role, the clinical significance of this variant is uncertain. ACMG/AMP Criteria applied: PP3, PM1_supporting, PM2_supporting (Richards 2015).

Genetic Services Laboratory, University of Chicago
Classification: Likely pathogenic. Last evaluated: 2017-12-13. Review status: criteria provided, single submitter. Criteria: ACMG Guidelines, 2015. Collection method: clinical testing. Allele origin: germline. Affected: yes.